The following is an entry in ClinVar:

ClinVar aggregate classification (germline): Uncertain significance (1 of 4 stars; one submission).

Conditions:
Peroxisome biogenesis disorder. Identifiers: Orphanet 79189, MedGen C1832200, MONDO:0019234. Disease mechanism: loss of function.

Allele frequency attached by ClinVar (database versions not stated): TOPMed below 0.00001; gnomAD 0.00001.
gnomAD v4.1: 2 of 1,614,066 alleles (0.00012%); highest among the groups gnomAD compares: Non-Finnish European, 0.00017%; no homozygotes.

Submission:

Labcorp Genetics (formerly Invitae), Labcorp
Classification: Uncertain significance for Peroxisome biogenesis disorder. Last evaluated: 2023-12-27. Review status: criteria provided, single submitter. Criteria: Invitae Variant Classification Sherloc (09022015). Collection method: clinical testing. Allele origin: germline.
Comment: This sequence change replaces alanine, which is neutral and non-polar, with glycine, which is neutral and non-polar, at codon 275 of the PEX6 protein (p.Ala275Gly). This variant is not present in population databases (gnomAD no frequency). This variant has not been reported in the literature in individuals affected with PEX6-related conditions. Advanced modeling of protein sequence and biophysical properties (such as structural, functional, and spatial information, amino acid conservation, physicochemical variation, residue mobility, and thermodynamic stability) has been performed at Invitae for this missense variant, however the output from this modeling did not meet the statistical confidence thresholds required to predict the impact of this variant on PEX6 protein function. In summary, the available evidence is currently insufficient to determine the role of this variant in disease. Therefore, it has been classified as a Variant of Uncertain Significance.

NM_000287.4(PEX6):c.824C>G (p.Ala275Gly)

Gene: PEX6 (peroxisomal biogenesis factor 6; minus strand). Cytogenetic location: 6p21.1.
Variant type: single nucleotide variant.
Coding change: c.824C>G on transcript NM_000287.4 (MANE Select); coding-DNA position 824, C replaced by G.
Protein change: p.Ala275Gly; replaces alanine 275 with glycine.
Molecular consequence: missense variant. On other transcripts: non-coding transcript variant (1), intron variant (1).
Genome position (GRCh38, 1-based): chr6:42,978,327, G>C on the plus strand (C>G on the coding strand, the complement: PEX6 is on the minus strand). VCF-style: chr6-42978327-G-C. GRCh37 (hg19) VCF-style: chr6-42946065-G-C.
Other names: c.618+206C>G (NM_001316313.2); short protein forms A275G.
Identifiers: ClinVar variation 2905876 (VCV002905876.3), dbSNP rs1394407113, ClinGen allele CA364161665.
Genomic context (GRCh38, chr6:42,978,327, plus strand): 5'-ACCTGAATTCTGAGCTCTCCCATTTCCAGGGGGTCACAGCCAAGATTAAAAGCCAAAGTG[G>C]CAGGGACAAGCGCCAGTCCGTCAGCGAGGGGCTCTCCCAGCGGTCCAGAGCCGGGTCCCA-3'
Protein context (NP_000278.3, residues 265-285): PLADGLALVP[Ala275Gly]TLAFNLGCDP